The following is an entry in ClinVar:

ClinVar aggregate classification (germline): Benign. Review status: criteria provided, multiple submitters, no conflicts (2 of 4 stars). 7 submissions from 7 submitters: Benign (7). Last evaluated 2026-02-03.

Conditions:
Hereditary spastic paraplegia 7 (SPG7). Also called: Spastic paraplegia 7; Hereditary spastic paraplegia Paraplegin type; SPASTIC PARAPLEGIA 7, AUTOSOMAL RECESSIVE, WITH OR WITHOUT CEREBELLAR ATAXIA; SPG7-related neurologic disorder; Autosomal recessive spastic paraplegia type 7. Identifiers: Orphanet 99013, MedGen C1846564, MONDO:0011803, OMIM 607259.

Allele frequency attached by ClinVar (database versions not stated): TOPMed 0.01183; ESP Exome Variant Server 0.01223; gnomAD exomes 0.00106; gnomAD 0.01085 and 0.01169; 1000 Genomes Project 0.00998; 1000 Genomes Project 30x 0.01109.
gnomAD v4.1: 3,227 of 1,614,072 alleles (0.2%); highest among the groups gnomAD compares: African/African-American, 3.9%; 61 homozygotes.

Submissions (7):

Labcorp Genetics (formerly Invitae), Labcorp
Classification: Benign for Hereditary spastic paraplegia 7. Last evaluated: 2026-02-03. Review status: criteria provided, single submitter. Criteria: Invitae Variant Classification Sherloc (09022015). Collection method: clinical testing. Allele origin: germline.

Mayo Clinic Laboratories, Mayo Clinic
Classification: Benign. Last evaluated: 2024-11-04. Review status: criteria provided, single submitter. Criteria: ACMG Guidelines, 2015. Collection method: clinical testing. Allele origin: germline. Observed: 10 variant alleles.
Comment: BA1, BS2

ARUP Laboratories, Molecular Genetics and Genomics, ARUP Laboratories
Classification: Benign for Hereditary spastic paraplegia 7. Last evaluated: 2023-10-11. Review status: criteria provided, single submitter. Criteria: ARUP Molecular Germline Variant Investigation Process 2024. Collection method: clinical testing. Allele origin: germline.

Athena Diagnostics
Classification: Benign. Last evaluated: 2017-11-21. Review status: criteria provided, single submitter. Criteria: Athena Diagnostics Criteria. Collection method: clinical testing. Allele origin: germline.

Illumina Laboratory Services, Illumina
Classification: Benign for Hereditary spastic paraplegia 7. Last evaluated: 2017-04-28. Review status: criteria provided, single submitter. Criteria: ICSL Variant Classification Criteria 13 December 2019. Collection method: clinical testing. Allele origin: germline.
Comment: This variant was observed as part of a predisposition screen in an ostensibly healthy population. A literature search was performed for the gene, cDNA change, and amino acid change (where applicable). Publications were found based on this search. The evidence from the literature, in combination with allele frequency data from public databases where available, was sufficient to rule this variant out of causing disease. Therefore, this variant is classified as benign.

GeneDx
Classification: Benign. Last evaluated: 2013-05-23. Review status: criteria provided, single submitter. Criteria: GeneDx Variant Classification (06012015). Collection method: clinical testing. Allele origin: germline. Affected: yes.
Comment: This variant is considered likely benign or benign based on one or more of the following criteria: it is a conservative change, it occurs at a poorly conserved position in the protein, it is predicted to be benign by multiple in silico algorithms, and/or has population frequency not consistent with disease.

Breakthrough Genomics
Classification: Benign. Review status: criteria provided, single submitter. Criteria: ACMG Guidelines, 2015. Collection method: not provided. Allele origin: germline. Inheritance: Autosomal recessive inheritance. Affected: yes.

Literature cited by the submitters: PubMed 16534102 (cited by 3 submitters).

NM_003119.4(SPG7):c.881G>A (p.Arg294His)

Gene: SPG7 (SPG7 matrix AAA peptidase subunit, paraplegin; plus strand). Cytogenetic location: 16q24.3.
Variant type: single nucleotide variant.
Coding change: c.881G>A on transcript NM_003119.4 (MANE Select); coding-DNA position 881, G replaced by A.
Protein change: p.Arg294His; replaces arginine 294 with histidine.
Molecular consequence: missense variant.
Genome position (GRCh38, 1-based): chr16:89,530,702, G>A. VCF-style: chr16-89530702-G-A. GRCh37 (hg19) VCF-style: chr16-89597110-G-A.
Other names: p.R294H:CGT>CAT; c.881G>A, p.Arg294His (NM_001363850.1, NM_199367.3); short protein forms R294H.
Identifiers: ClinVar variation 139237 (VCV000139237.26), dbSNP rs115661328, ClinGen allele CA293661.